The following is an entry in ClinVar:

NM_001378969.1(KCND3):c.1895C>A (p.Pro632His)

Gene: KCND3 (potassium voltage-gated channel subfamily D member 3; minus strand). Cytogenetic location: 1p13.2.
Variant type: single nucleotide variant.
Coding change: c.1895C>A on transcript NM_001378969.1 (MANE Select); coding-DNA position 1895, C replaced by A.
Protein change: p.Pro632His; replaces proline 632 with histidine.
Molecular consequence: missense variant.
Genome position (GRCh38, 1-based): chr1:111,776,150, G>T on the plus strand (C>A on the coding strand, the complement: KCND3 is on the minus strand). VCF-style: chr1-111776150-G-T. GRCh37 (hg19) VCF-style: chr1-112318772-G-T.
Other names: c.1838C>A, p.Pro613His (NM_001378970.1, NM_172198.3); c.1895C>A, p.Pro632His (NM_004980.5); short protein forms P613H, P632H.
Identifiers: ClinVar variation 4874457 (VCV004874457.2).
Genomic context (GRCh38, chr1:111,776,150, plus strand): 5'-ACCTTGACAACATTGCTGGCTATGGAAGGAATGTTCGTGTTGGGGCCTGGGCTGGCAGGG[G>T]GTGGCCGACTTTCCCCCTCTGGGGTTAGCGCTGGGGGAGTGGGGATGCTGATGATGGCTG-3'
Protein context (NP_001365898.1, residues 622-642): ALTPEGESRP[Pro632His]PASPGPNTNI

ClinVar aggregate classification (germline): Uncertain significance (1 of 4 stars; one submission).

Submission:

CeGaT Center for Human Genetics Tuebingen
Classification: Uncertain significance. Last evaluated: 2026-04-01. Review status: criteria provided, single submitter. Criteria: CeGaT Center For Human Genetics Tuebingen Variant Classification Criteria Version 2. Collection method: clinical testing. Allele origin: germline. Affected: yes. Observed: 1 variant allele.
Comment: KCND3: PM2